The following is an entry in ClinVar:

ClinVar aggregate classification (germline): Conflicting classifications of pathogenicity. Review status: criteria provided, conflicting classifications (1 of 4 stars). 2 submissions from 2 submitters: Uncertain significance (1); Likely benign (1). Last evaluated 2018-01-12.

Conditions:
Acute infantile liver failure due to synthesis defect of mtDNA-encoded proteins. Also called: LIVER FAILURE, INFANTILE, TRANSIENT; Liver failure acute infantile; TRMU Deficiency. Identifiers: Orphanet 217371, MedGen C3278664, MONDO:0013111, OMIM 613070.

Submissions (2):

Illumina Laboratory Services, Illumina
Classification: Uncertain significance for Acute infantile liver failure due to synthesis defect of mtDNA-encoded proteins. Last evaluated: 2018-01-12. Review status: criteria provided, single submitter. Criteria: ICSL Variant Classification Criteria 13 December 2019. Collection method: clinical testing. Allele origin: germline.

GeneDx
Classification: Likely benign. Last evaluated: 2014-06-03. Review status: criteria provided, single submitter. Criteria: GeneDx Variant Classification (06012015). Collection method: clinical testing. Allele origin: germline. Affected: yes.
Comment: This variant is considered likely benign or benign based on one or more of the following criteria: it is a conservative change, it occurs at a poorly conserved position in the protein, it is predicted to be benign by multiple in silico algorithms, and/or has population frequency not consistent with disease.

NM_018006.5(TRMU):c.1093A>C (p.Thr365Pro)

Gene: TRMU (tRNA mitochondrial 2-thiouridylase; plus strand). Cytogenetic location: 22q13.31.
Variant type: single nucleotide variant.
Coding change: c.1093A>C on transcript NM_018006.5 (MANE Select); coding-DNA position 1093, A replaced by C.
Protein change: p.Thr365Pro; replaces threonine 365 with proline.
Molecular consequence: missense variant. On other transcripts: non-coding transcript variant (2), intron variant (2).
Genome position (GRCh38, 1-based): chr22:46,356,064, A>C. VCF-style: chr22-46356064-A-C. GRCh37 (hg19) VCF-style: chr22-46751961-A-C.
Other names: p.T365P:ACA>CCA; c.751A>C, p.Thr251Pro (NM_001282782.2); c.673A>C, p.Thr225Pro (NM_001282783.2); c.1018+476A>C (NM_001282785.2); c.598+476A>C (NM_001282784.2); short protein forms T365P, T225P, T251P.
Identifiers: ClinVar variation 215281 (VCV000215281.5), dbSNP rs138586787, ClinGen allele CA324168.
Genomic context (GRCh38, chr22:46,356,064, plus strand): 5'-ACCCTCAATCAAGATGGCACCGTGTGGGTGACAGCTGTGCAGGCTGTGCGTGCCCTTGCC[A>C]CAGGACAGGTGCGTGGGGTGTGGGGGTGAGCCCGGGGAGGACTGTACTGCTCTGCACCCT-3'
Protein context (NP_060476.2, residues 355-375): TAVQAVRALA[Thr365Pro]GQFAVFYKGD